The following is an entry in ClinVar:

ClinVar aggregate classification (germline): Uncertain significance (1 of 4 stars; one submission).

Conditions:
Hereditary cancer-predisposing syndrome. Also called: Hereditary neoplastic syndrome; Hereditary Cancer Syndrome; Neoplastic Syndromes, Hereditary; Tumor predisposition. Identifiers: Orphanet 140162, MedGen C0027672, MeSH D009386, MONDO:0015356.

Submission:

Ambry Genetics
Classification: Uncertain significance for Hereditary cancer-predisposing syndrome. Last evaluated: 2023-05-24. Review status: criteria provided, single submitter. Criteria: Ambry Variant Classification Scheme 2023. Collection method: clinical testing. Allele origin: germline.
Comment: The p.N984K variant (also known as c.2952T>A), located in coding exon 4 of the MSH6 gene, results from a T to A substitution at nucleotide position 2952. The asparagine at codon 984 is replaced by lysine, an amino acid with similar properties. This amino acid position is not well conserved in available vertebrate species. In addition, this alteration is predicted to be tolerated by in silico analysis. Since supporting evidence is limited at this time, the clinical significance of this alteration remains unclear.

NM_000179.3(MSH6):c.2952T>A (p.Asn984Lys)

Gene: MSH6 (mutS homolog 6; plus strand). Cytogenetic location: 2p16.3.
Variant type: single nucleotide variant.
Coding change: c.2952T>A on transcript NM_000179.3 (MANE Select); coding-DNA position 2952, T replaced by A.
Protein change: p.Asn984Lys; replaces asparagine 984 with lysine.
Molecular consequence: missense variant. On other transcripts: non-coding transcript variant (5), intron variant (2).
Genome position (GRCh38, 1-based): chr2:47,800,935, T>A. VCF-style: chr2-47800935-T-A. GRCh37 (hg19) VCF-style: chr2-48028074-T-A.
Other names: c.2562T>A, p.Asn854Lys (NM_001281492.2); c.2046T>A, p.Asn682Lys (NM_001281493.2, NM_001281494.2, NM_001406811.1 and 6 more transcripts); c.3048T>A, p.Asn1016Lys (NM_001406795.1, NM_001406802.1); c.2952T>A, p.Asn984Lys (NM_001406796.1, NM_001406798.1, NM_001406800.1 and 2 more transcripts); c.2655T>A, p.Asn885Lys (NM_001406797.1, NM_001406801.1, NM_001406805.1 and 10 more transcripts); c.2427T>A, p.Asn809Lys (NM_001406799.1, NM_001406806.1, NM_001406807.1); c.2874T>A, p.Asn958Lys (NM_001406804.1); c.2958T>A, p.Asn986Lys (NM_001406813.1); and 4 more; short protein forms N1016K, N299K, N809K, N984K, N854K, N885K, N928K, N958K.
Identifiers: ClinVar variation 2567476 (VCV002567476.2), dbSNP rs2104432677, ClinGen allele CA346756242.